The following is an entry in ClinVar:

NM_153240.5(NPHP3):c.3833A>T (p.Glu1278Val)

Genes: NPHP3-ACAD11 (NPHP3-ACAD11 readthrough (NMD candidate); minus strand), NPHP3 (nephrocystin 3; minus strand). Cytogenetic location: 3q22.1.
Variant type: single nucleotide variant.
Coding change: c.3833A>T on transcript NM_153240.5 (MANE Select); coding-DNA position 3833, A replaced by T.
Protein change: p.Glu1278Val; replaces glutamic acid 1278 with valine.
Molecular consequence: missense variant. On other transcripts: non-coding transcript variant (1).
Genome position (GRCh38, 1-based): chr3:132,682,070, T>A on the plus strand (A>T on the coding strand, the complement: NPHP3 is on the minus strand). VCF-style: chr3-132682070-T-A. GRCh37 (hg19) VCF-style: chr3-132400914-T-A.
Other names: short protein forms E1278V.
Identifiers: ClinVar variation 1056181 (VCV001056181.10), dbSNP rs757964370, ClinGen allele CA2621618.

ClinVar aggregate classification (germline): Uncertain significance. Review status: criteria provided, multiple submitters, no conflicts (2 of 4 stars). 2 submissions from 2 submitters: Uncertain significance (2). Last evaluated 2023-07-07.

Conditions:
Nephronophthisis 3 (NPHP3). Also called: Adolescent nephronophthisis. Identifiers: Orphanet 655, MedGen C1858392, MONDO:0011456, OMIM 604387.
NPHP3-related Meckel-like syndrome. Also called: GOLDSTON SYNDROME; Meckel syndrome type 7. Identifiers: Orphanet 3032, MedGen C2673885, MONDO:0009966, OMIM 267010.
Renal-hepatic-pancreatic dysplasia 1 (RHPD1). Identifiers: MedGen C3715199, MONDO:0008833, OMIM 208540.
Nephronophthisis. Also called: Juvenile Nephronophthisis. Identifiers: Orphanet 655, MedGen C0687120, MONDO:0019005, HP:0000090.

Allele frequency attached by ClinVar (database versions not stated): TOPMed below 0.00001; gnomAD exomes 0.00001; ExAC 0.00002.
gnomAD v4.1: 12 of 1,614,066 alleles (0.00074%); highest among the groups gnomAD compares: Middle Eastern, 0.13%; 1 homozygote.

Submissions (2):

Labcorp Genetics (formerly Invitae), Labcorp
Classification: Uncertain significance for Nephronophthisis. Last evaluated: 2023-07-07. Review status: criteria provided, single submitter. Criteria: Invitae Variant Classification Sherloc (09022015). Collection method: clinical testing. Allele origin: germline.
Comment: This sequence change replaces glutamic acid, which is acidic and polar, with valine, which is neutral and non-polar, at codon 1278 of the NPHP3 protein (p.Glu1278Val). This variant is present in population databases (rs757964370, gnomAD 0.01%). This variant has not been reported in the literature in individuals affected with NPHP3-related conditions. ClinVar contains an entry for this variant (Variation ID: 1056181). Advanced modeling of protein sequence and biophysical properties (such as structural, functional, and spatial information, amino acid conservation, physicochemical variation, residue mobility, and thermodynamic stability) performed at Invitae indicates that this missense variant is not expected to disrupt NPHP3 protein function. In summary, the available evidence is currently insufficient to determine the role of this variant in disease. Therefore, it has been classified as a Variant of Uncertain Significance.

Fulgent Genetics
Classification: Uncertain significance for Renal-hepatic-pancreatic dysplasia 1; NPHP3-related Meckel-like syndrome; Nephronophthisis 3. Last evaluated: 2021-11-05. Review status: criteria provided, single submitter. Criteria: ACMG Guidelines, 2015. Collection method: clinical testing. Allele origin: unknown.